The following is an entry in ClinVar:

ClinVar aggregate classification (germline): Uncertain significance (1 of 4 stars; one submission).

Conditions:
Intellectual developmental disorder, autosomal dominant 1. Also called: Intellectual disability, autosomal dominant 1; MBD5 Haploinsufficiency. Identifiers: Orphanet 228402, MedGen C1969562, MONDO:0007974, OMIM 156200.

gnomAD v4.1: 4 of 1,613,776 alleles (0.00025%); highest among the groups gnomAD compares: Non-Finnish European, 0.00034%; no homozygotes.

Submission:

Labcorp Genetics (formerly Invitae), Labcorp
Classification: Uncertain significance for Intellectual developmental disorder, autosomal dominant 1. Last evaluated: 2022-01-03. Review status: criteria provided, single submitter. Criteria: Invitae Variant Classification Sherloc (09022015). Collection method: clinical testing. Allele origin: germline.
Comment: In summary, the available evidence is currently insufficient to determine the role of this variant in disease. Therefore, it has been classified as a Variant of Uncertain Significance. Algorithms developed to predict the effect of missense changes on protein structure and function (SIFT, PolyPhen-2, Align-GVGD) all suggest that this variant is likely to be disruptive. This variant has not been reported in the literature in individuals affected with MBD5-related conditions. This variant is not present in population databases (gnomAD no frequency). This sequence change replaces phenylalanine, which is neutral and non-polar, with serine, which is neutral and polar, at codon 168 of the MBD5 protein (p.Phe168Ser).

NM_001378120.1(MBD5):c.503T>C (p.Phe168Ser)

Gene: MBD5 (methyl-CpG binding domain protein 5; plus strand). Cytogenetic location: 2q23.1.
Variant type: single nucleotide variant.
Coding change: c.503T>C on transcript NM_001378120.1 (MANE Select); coding-DNA position 503, T replaced by C.
Protein change: p.Phe168Ser; replaces phenylalanine 168 with serine.
Molecular consequence: missense variant.
Genome position (GRCh38, 1-based): chr2:148,468,446, T>C. VCF-style: chr2-148468446-T-C. GRCh37 (hg19) VCF-style: chr2-149226015-T-C.
Other names: c.503T>C, p.Phe168Ser (NM_018328.5); short protein forms F168S.
Identifiers: ClinVar variation 2073158 (VCV002073158.4), dbSNP rs2469854626, ClinGen allele CA348716934.